The following is an entry in ClinVar:

NC_000023.10:g.(?_32563256)_(32717430_?)del

Gene: DMD (dystrophin; minus strand). Cytogenetic location: Xp21.1.
Variant type: Deletion.
Identifiers: ClinVar variation 2424850 (VCV002424850.1).

ClinVar aggregate classification (germline): Pathogenic (1 of 4 stars; one submission).

Conditions:
Duchenne muscular dystrophy (DMD). Also called: Duchenne Muscular Dystrophy (DMD); MUSCULAR DYSTROPHY, PSEUDOHYPERTROPHIC PROGRESSIVE, DUCHENNE TYPE. Identifiers: Orphanet 98896, MedGen C0013264, MONDO:0010679, OMIM 310200.

Submission:

Labcorp Genetics (formerly Invitae), Labcorp
Classification: Pathogenic for Duchenne muscular dystrophy. Last evaluated: 2022-02-11. Review status: criteria provided, single submitter. Criteria: Invitae Variant Classification Sherloc (09022015). Collection method: clinical testing. Allele origin: germline.
Comment: This variant is a gross deletion of the genomic region encompassing exon(s) 8-17 of the DMD gene. This deletion is out-of-frame, and is expected to create a premature termination codon and result in an absent or disrupted protein product. Loss-of-function variants in DMD are known to be pathogenic (PMID: 16770791, 25007885). A similar copy number variant has been observed in individuals with Duchenne or Becker muscular dystrophy (PMID: 14977063, 31661024). For these reasons, this variant has been classified as Pathogenic.

Literature cited by the submitters: PubMed 16770791; PubMed 25007885; PubMed 14977063; PubMed 31661024.